The following is an entry in ClinVar:

NM_001083926.2(ASRGL1):c.13G>A (p.Val5Ile)

Gene: ASRGL1 (asparaginase and isoaspartyl peptidase 1; plus strand). Cytogenetic location: 11q12.3.
Variant type: single nucleotide variant.
Coding change: c.13G>A on transcript NM_001083926.2 (MANE Select); coding-DNA position 13, G replaced by A.
Protein change: p.Val5Ile; replaces valine 5 with isoleucine.
Molecular consequence: missense variant.
Genome position (GRCh38, 1-based): chr11:62,337,990, G>A. VCF-style: chr11-62337990-G-A. GRCh37 (hg19) VCF-style: chr11-62105462-G-A.
Other names: c.13G>A, p.Val5Ile (NM_025080.4); short protein forms V5I.
Identifiers: ClinVar variation 839389 (VCV000839389.15), dbSNP rs1186341508, ClinGen allele CA380863147.

ClinVar aggregate classification (germline): Uncertain significance. Review status: criteria provided, multiple submitters, no conflicts (2 of 4 stars). 2 submissions from 2 submitters: Uncertain significance (2). Last evaluated 2023-07-07.

Allele frequency attached by ClinVar (database versions not stated): gnomAD 0.00001; TOPMed 0.00001.
gnomAD v4.1: 36 of 1,600,148 alleles (0.0022%); highest among the groups gnomAD compares: Non-Finnish European, 0.003%; no homozygotes.

Submissions (2):

Labcorp Genetics (formerly Invitae), Labcorp
Classification: Uncertain significance. Last evaluated: 2023-07-07. Review status: criteria provided, single submitter. Criteria: Invitae Variant Classification Sherloc (09022015). Collection method: clinical testing. Allele origin: germline.
Comment: In summary, the available evidence is currently insufficient to determine the role of this variant in disease. Therefore, it has been classified as a Variant of Uncertain Significance. Algorithms developed to predict the effect of missense changes on protein structure and function output the following: SIFT: "Not Available"; PolyPhen-2: "Benign"; Align-GVGD: "Not Available". The isoleucine amino acid residue is found in multiple mammalian species, which suggests that this missense change does not adversely affect protein function. ClinVar contains an entry for this variant (Variation ID: 839389). This variant has not been reported in the literature in individuals affected with ASRGL1-related conditions. The frequency data for this variant in the population databases is considered unreliable, as metrics indicate poor data quality at this position in the gnomAD database. This sequence change replaces valine, which is neutral and non-polar, with isoleucine, which is neutral and non-polar, at codon 5 of the ASRGL1 protein (p.Val5Ile).

Ambry Genetics
Classification: Uncertain significance. Last evaluated: 2021-07-14. Review status: criteria provided, single submitter. Criteria: Ambry Variant Classification Scheme 2023. Collection method: clinical testing. Allele origin: germline.